The following is an entry in ClinVar:

ClinVar aggregate classification (germline): Conflicting classifications of pathogenicity. Review status: criteria provided, conflicting classifications (1 of 4 stars). 10 submissions from 7 submitters: Uncertain significance (1); Benign (5); Likely benign (3). 1 of the submissions does not count toward it. Last evaluated 2026-02-03.

Conditions:
TTN-related disorder. Also called: TTN-related disorders; TTN-related condition; TTN-related disease.
Cardiovascular phenotype. Identifiers: MedGen CN230736.
Autosomal recessive limb-girdle muscular dystrophy type 2J (LGMDR10). Also called: MUSCULAR DYSTROPHY, LIMB-GIRDLE, AUTOSOMAL RECESSIVE 10; Limb-girdle muscular dystrophy, type 2J. Identifiers: Orphanet 140922, MedGen C1837342, MONDO:0012127, OMIM 608807.
Dilated cardiomyopathy 1G (CMD1G). Identifiers: Orphanet 154, MedGen C1858763, MONDO:0011400, OMIM 604145.
Early-onset myopathy with fatal cardiomyopathy (CMYO5). Also called: Salih Myopathy; CONGENITAL MYOPATHY 5 WITH CARDIOMYOPATHY. Identifiers: Orphanet 289377, MedGen C2673677, MONDO:0012714, OMIM 611705. Disease mechanism: loss of function.
Myopathy, myofibrillar, 9, with early respiratory failure (MFM9). Also called: MYOPATHY, PROXIMAL, WITH EARLY RESPIRATORY MUSCLE INVOLVEMENT; Myopathy, distal, with early respiratory failure, autosomal dominant; Hereditary myopathy with early respiratory failure; EDSTROM MYOPATHY. Identifiers: Orphanet 178464, Orphanet 34521, MedGen C1863599, MONDO:0011362, OMIM 603689.
Tibial muscular dystrophy (TMD). Also called: Udd Distal Myopathy – Tibial Muscular Dystrophy; Tibial muscular dystrophy, tardive; UDD MYOPATHY. Identifiers: Orphanet 609, MedGen C1838244, MONDO:0010870, OMIM 600334.

Allele frequency attached by ClinVar (database versions not stated): ExAC 0.00021; gnomAD exomes 0.00005 and 0.00017; gnomAD 0.00006; TOPMed 0.00006.
gnomAD v4.1: 84 of 1,613,472 alleles (0.0052%); highest among the groups gnomAD compares: East Asian, 0.06%; no homozygotes.

Submissions (10):

Labcorp Genetics (formerly Invitae), Labcorp
Classification: Likely benign for Dilated cardiomyopathy 1G; Autosomal recessive limb-girdle muscular dystrophy type 2J. Last evaluated: 2026-02-03. Review status: criteria provided, single submitter. Criteria: Invitae Variant Classification Sherloc (09022015). Collection method: clinical testing. Allele origin: germline.

Women's Health and Genetics/Laboratory Corporation of America, LabCorp
Classification: Likely benign. Last evaluated: 2025-03-24. Review status: criteria provided, single submitter. Criteria: LabCorp Variant Classification Summary - May 2015. Collection method: clinical testing. Allele origin: germline.
Comment: Variant summary: TTN c.75377G>A (p.Arg25126His) results in a non-conservative amino acid change in the encoded protein sequence. Three of four in-silico tools predict a damaging effect of the variant on protein function. The variant allele was found at a frequency of 0.00017 in 248812 control chromosomes, predominantly at a frequency of 0.002 within the East Asian subpopulation in the gnomAD database. The observed variant frequency within East Asian control individuals in the gnomAD database is approximately 5-fold of the estimated maximal expected allele frequency for a pathogenic variant in TTN causing Dilated Cardiomyopathy phenotype (0.00039). c.75377G>A has been reported in the literature in a setting of multigene panel testing in an individual affected with Brugada Syndrome where other variants were also identified and relatives were unavailable for segregation analysis (Scumaci_2018). This report does not provide unequivocal conclusions about association of the variant with Dilated Cardiomyopathy. To our knowledge, no experimental evidence demonstrating an impact on protein function has been reported. The following publication has been ascertained in the context of this evaluation (PMID: 29956481). ClinVar contains an entry for this variant (Variation ID: 506396). Based on the evidence outlined above, the variant was classified as likely benign.

Genome-Nilou Lab
Classification: Benign for Autosomal recessive limb-girdle muscular dystrophy type 2J. Last evaluated: 2021-09-10. Review status: criteria provided, single submitter. Criteria: ACMG Guidelines, 2015. Collection method: clinical testing. Allele origin: germline. Affected: no.

Genome-Nilou Lab
Classification: Benign for Myopathy, myofibrillar, 9, with early respiratory failure. Last evaluated: 2021-09-10. Review status: criteria provided, single submitter. Criteria: ACMG Guidelines, 2015. Collection method: clinical testing. Allele origin: germline. Affected: no.

Genome-Nilou Lab
Classification: Benign for Early-onset myopathy with fatal cardiomyopathy. Last evaluated: 2021-09-10. Review status: criteria provided, single submitter. Criteria: ACMG Guidelines, 2015. Collection method: clinical testing. Allele origin: germline. Affected: no.

Genome-Nilou Lab
Classification: Benign for Tibial muscular dystrophy. Last evaluated: 2021-09-10. Review status: criteria provided, single submitter. Criteria: ACMG Guidelines, 2015. Collection method: clinical testing. Allele origin: germline. Affected: no.

Athena Diagnostics
Classification: Benign. Last evaluated: 2020-03-12. Review status: criteria provided, single submitter. Criteria: Athena Diagnostics Criteria. Collection method: clinical testing. Allele origin: unknown.

Ambry Genetics
Classification: Uncertain significance for Cardiovascular phenotype. Last evaluated: 2018-12-26. Review status: criteria provided, single submitter. Criteria: Ambry Variant Classification Scheme 2023. Collection method: clinical testing. Allele origin: germline.
Comment: The p.R18629H variant (also known as c.55886G>A), located in coding exon 153 of the TTN gene, results from a G to A substitution at nucleotide position 55886. The arginine at codon 18629 is replaced by histidine, an amino acid with highly similar properties. This variant has been detected with a second TTN variant in a cohort of individuals without structural heart disease (Mademont-Soler I et al. PLoS ONE. 2017;12(8):e0181465). This amino acid position is highly conserved in available vertebrate species. In addition, this alteration is predicted to be probably damaging by PolyPhen and SIFT in silico analysis. Since supporting evidence is limited at this time, the clinical significance of this alteration remains unclear.

GeneDx
Classification: Likely benign. Last evaluated: 2018-06-05. Review status: criteria provided, single submitter. Criteria: GeneDx Variant Classification Process June 2021. Collection method: clinical testing. Allele origin: germline. Affected: yes.

PreventionGenetics, part of Exact Sciences
Classification: Likely benign for TTN-related condition. Last evaluated: 2024-06-12. Review status: no assertion criteria provided. Collection method: clinical testing. Allele origin: germline. Not counted in ClinVar's aggregate classification.
Comment: This variant is classified as likely benign based on ACMG/AMP sequence variant interpretation guidelines (Richards et al. 2015 PMID: 25741868, with internal and published modifications).

Literature cited by the submitters: PubMed 29956481 (cited by Women's Health and Genetics/Laboratory Corporation of America, LabCorp).

NM_001267550.2(TTN):c.83081G>A (p.Arg27694His)

Genes: TTN (titin; minus strand), TTN-AS1 (TTN antisense RNA 1; plus strand). Cytogenetic location: 2q31.2.
Variant type: single nucleotide variant.
Coding change: c.83081G>A on transcript NM_001267550.2 (MANE Select); coding-DNA position 83081, G replaced by A.
Protein change: p.Arg27694His; replaces arginine 27694 with histidine.
Molecular consequence: missense variant.
Genome position (GRCh38, 1-based): chr2:178,563,051, C>T on the plus strand (G>A on the coding strand, the complement: TTN is on the minus strand). VCF-style: chr2-178563051-C-T. GRCh37 (hg19) VCF-style: chr2-179427778-C-T.
Other names: c.78158G>A, p.Arg26053His (NM_001256850.1); c.55886G>A, p.Arg18629His (NM_003319.4); c.75377G>A, p.Arg25126His (NM_133378.4); c.56261G>A, p.Arg18754His (NM_133432.3); c.56462G>A, p.Arg18821His (NM_133437.4); short protein forms R26053H, R27694H, R18629H, R18754H, R25126H, R18821H.
Identifiers: ClinVar variation 506396 (VCV000506396.21), dbSNP rs775499341, ClinGen allele CA1988973.